The following is an entry in ClinVar:

ClinVar aggregate classification (germline): Uncertain significance. Review status: criteria provided, multiple submitters, no conflicts (2 of 4 stars). 2 submissions from 2 submitters: Uncertain significance (2). Last evaluated 2025-05-08.

Conditions:
Inborn genetic diseases. Identifiers: MedGen C0950123, MeSH D030342.

Submissions (2):

Ambry Genetics
Classification: Uncertain significance for Inborn genetic diseases. Last evaluated: 2025-05-08. Review status: criteria provided, single submitter. Criteria: Ambry Variant Classification Scheme 2023. Collection method: clinical testing. Allele origin: germline.
Comment: The p.Y1700C variant (also known as c.5099A>G), located in coding exon 34 of the ANKRD26 gene, results from an A to G substitution at nucleotide position 5099. The tyrosine at codon 1700 is replaced by cysteine, an amino acid with highly dissimilar properties. This amino acid position is conserved. In addition, the in silico prediction for this alteration is inconclusive. Based on the available evidence, the clinical significance of this variant remains unclear.

GeneDx
Classification: Uncertain significance. Last evaluated: 2023-06-16. Review status: criteria provided, single submitter. Criteria: GeneDx Variant Classification Process June 2021. Collection method: clinical testing. Allele origin: germline. Affected: yes.
Comment: Not observed at significant frequency in large population cohorts (gnomAD); In silico analysis supports that this missense variant has a deleterious effect on protein structure/function; Has not been previously published as pathogenic or benign to our knowledge

NM_014915.3(ANKRD26):c.5099A>G (p.Tyr1700Cys)

Gene: ANKRD26 (ankyrin repeat domain containing 26; minus strand). Cytogenetic location: 10p12.1.
Variant type: single nucleotide variant.
Coding change: c.5099A>G on transcript NM_014915.3 (MANE Select); coding-DNA position 5099, A replaced by G.
Protein change: p.Tyr1700Cys; replaces tyrosine 1700 with cysteine.
Molecular consequence: missense variant.
Genome position (GRCh38, 1-based): chr10:27,005,624, T>C on the plus strand (A>G on the coding strand, the complement: ANKRD26 is on the minus strand). VCF-style: chr10-27005624-T-C. GRCh37 (hg19) VCF-style: chr10-27294553-T-C.
Other names: c.5096A>G, p.Tyr1699Cys (NM_001256053.2); short protein forms Y1699C, Y1700C.
Identifiers: ClinVar variation 3359965 (VCV003359965.2).